The following is an entry in ClinVar:

ClinVar aggregate classification (germline): Likely benign (1 of 4 stars; one submission).

Submission:

CeGaT Center for Human Genetics Tuebingen
Classification: Likely benign. Last evaluated: 2025-06-01. Review status: criteria provided, single submitter. Criteria: CeGaT Center For Human Genetics Tuebingen Variant Classification Criteria Version 2. Collection method: clinical testing. Allele origin: germline. Affected: yes. Observed: 1 variant allele.
Comment: BCKDHB: PM2:Supporting, BP4, BP7

NM_183050.4(BCKDHB):c.546C>A (p.Ile182=)

Gene: BCKDHB (branched chain keto acid dehydrogenase E1 subunit beta; plus strand). Cytogenetic location: 6q14.1.
Variant type: single nucleotide variant.
Coding change: c.546C>A on transcript NM_183050.4 (MANE Select); coding-DNA position 546, C replaced by A.
Protein change: p.Ile182=; no amino-acid change (isoleucine 182 retained).
Molecular consequence: synonymous variant. On other transcripts: non-coding transcript variant (6).
Genome position (GRCh38, 1-based): chr6:80,168,943, C>A. VCF-style: chr6-80168943-C-A. GRCh37 (hg19) VCF-style: chr6-80878660-C-A.
Other names: c.546C>A, p.Ile182= (NM_000056.5, NM_001424035.1, NM_001424036.1 and 8 more transcripts); c.336C>A, p.Ile112= (NM_001318975.1, NM_001424043.1).
Identifiers: ClinVar variation 4085239 (VCV004085239.8).